The following is an entry in ClinVar:

ClinVar aggregate classification (germline): Uncertain significance (1 of 4 stars; one submission).

Allele frequency attached by ClinVar (database versions not stated): gnomAD exomes 0.00001.

Submission:

Labcorp Genetics (formerly Invitae), Labcorp
Classification: Uncertain significance. Last evaluated: 2022-08-09. Review status: criteria provided, single submitter. Criteria: Invitae Variant Classification Sherloc (09022015). Collection method: clinical testing. Allele origin: germline.
Comment: This sequence change replaces lysine, which is basic and polar, with glutamine, which is neutral and polar, at codon 534 of the HPS6 protein (p.Lys534Gln). This variant is not present in population databases (gnomAD no frequency). This variant has not been reported in the literature in individuals affected with HPS6-related conditions. ClinVar contains an entry for this variant (Variation ID: 1468543). Algorithms developed to predict the effect of missense changes on protein structure and function output the following: SIFT: "Tolerated"; PolyPhen-2: "Benign"; Align-GVGD: "Class C0". The glutamine amino acid residue is found in multiple mammalian species, which suggests that this missense change does not adversely affect protein function. In summary, the available evidence is currently insufficient to determine the role of this variant in disease. Therefore, it has been classified as a Variant of Uncertain Significance.

NM_024747.6(HPS6):c.1600A>C (p.Lys534Gln)

Gene: HPS6 (HPS6 biogenesis of lysosomal organelles complex 2 subunit 3; plus strand). Cytogenetic location: 10q24.32.
Variant type: single nucleotide variant.
Coding change: c.1600A>C on transcript NM_024747.6 (MANE Select); coding-DNA position 1600, A replaced by C.
Protein change: p.Lys534Gln; replaces lysine 534 with glutamine.
Molecular consequence: missense variant.
Genome position (GRCh38, 1-based): chr10:102,067,074, A>C. VCF-style: chr10-102067074-A-C. GRCh37 (hg19) VCF-style: chr10-103826831-A-C.
Other names: short protein forms K534Q.
Identifiers: ClinVar variation 1468543 (VCV001468543.6), dbSNP rs2136334820, ClinGen allele CA377869725.